The following is an entry in ClinVar:

NM_004168.4(SDHA):c.1433-7G>A

Gene: SDHA (succinate dehydrogenase complex flavoprotein subunit A; plus strand). Cytogenetic location: 5p15.33.
Variant type: single nucleotide variant.
Coding change: c.1433-7G>A on transcript NM_004168.4 (MANE Select); 7 bases into the intron before coding-DNA position 1433, G replaced by A.
Molecular consequence: intron variant.
Genome position (GRCh38, 1-based): chr5:240,351, G>A. VCF-style: chr5-240351-G-A. GRCh37 (hg19) VCF-style: chr5-240466-G-A.
Other names: c.1433-7G>A (NM_001330758.2); c.1289-7G>A (NM_001294332.2).
Identifiers: ClinVar variation 2167064 (VCV002167064.5), dbSNP rs1293856379, ClinGen allele CA2580073087.

ClinVar aggregate classification (germline): Likely benign. Review status: criteria provided, multiple submitters, no conflicts (2 of 4 stars). 2 submissions from 2 submitters: Likely benign (2). Last evaluated 2025-03-10.

Conditions:
Mitochondrial complex II deficiency, nuclear type 1. Also called: SUCCINATE CoQ REDUCTASE DEFICIENCY. Identifiers: Orphanet 3208, MedGen C5700310, MONDO:0100294, OMIM 252011.
Pheochromocytoma/paraganglioma syndrome 5. Also called: Paragangliomas 5; SDHA-Related Hereditary Paraganglioma-Pheochromocytoma Syndrome. Identifiers: Orphanet 29072, MedGen C3279992, MONDO:0013602, OMIM 614165.

Submissions (2):

Myriad Genetics, Inc.
Classification: Likely benign for Pheochromocytoma/paraganglioma syndrome 5. Last evaluated: 2025-03-10. Review status: criteria provided, single submitter. Criteria: Myriad Autosomal Dominant, Autosomal Recessive and X-Linked Classification Criteria (2023). Collection method: clinical testing. Allele origin: unknown.
Comment: This variant is considered likely benign. This variant is intronic and is not expected to impact mRNA splicing.

Labcorp Genetics (formerly Invitae), Labcorp
Classification: Likely benign for Pheochromocytoma/paraganglioma syndrome 5; Mitochondrial complex II deficiency, nuclear type 1. Last evaluated: 2022-09-10. Review status: criteria provided, single submitter. Criteria: Invitae Variant Classification Sherloc (09022015). Collection method: clinical testing. Allele origin: germline.